The following is an entry in ClinVar:

ClinVar aggregate classification (germline): Uncertain significance (1 of 4 stars; one submission).

Conditions:
Charcot-Marie-Tooth disease axonal type 2O. Also called: CHARCOT-MARIE-TOOTH NEUROPATHY, AXONAL, TYPE 2O; CHARCOT-MARIE-TOOTH DISEASE, AXONAL, AUTOSOMAL DOMINANT, TYPE 2O; Charcot-Marie-Tooth Neuropathy Type 2O; Charcot-Marie-Tooth disease, axonal, type 20. Identifiers: Orphanet 284232, MedGen C3280220, MONDO:0013644, OMIM 614228.

Submission:

Labcorp Genetics (formerly Invitae), Labcorp
Classification: Uncertain significance for Charcot-Marie-Tooth disease axonal type 2O. Last evaluated: 2020-08-20. Review status: criteria provided, single submitter. Criteria: Invitae Variant Classification Sherloc (09022015). Collection method: clinical testing. Allele origin: germline.
Comment: This sequence change replaces methionine with threonine at codon 2412 of the DYNC1H1 protein (p.Met2412Thr). The methionine residue is moderately conserved and there is a moderate physicochemical difference between methionine and threonine. This variant is not present in population databases (ExAC no frequency). This variant has not been reported in the literature in individuals with DYNC1H1-related conditions. Advanced modeling of protein sequence and biophysical properties (such as structural, functional, and spatial information, amino acid conservation, physicochemical variation, residue mobility, and thermodynamic stability) performed at Invitae indicates that this missense variant is not expected to disrupt DYNC1H1 protein function. In summary, the available evidence is currently insufficient to determine the role of this variant in disease. Therefore, it has been classified as a Variant of Uncertain Significance.

NM_001376.5(DYNC1H1):c.7235T>C (p.Met2412Thr)

Gene: DYNC1H1 (dynein cytoplasmic 1 heavy chain 1; plus strand). Cytogenetic location: 14q32.31.
Variant type: single nucleotide variant.
Coding change: c.7235T>C on transcript NM_001376.5 (MANE Select); coding-DNA position 7235, T replaced by C.
Protein change: p.Met2412Thr; replaces methionine 2412 with threonine.
Molecular consequence: missense variant.
Genome position (GRCh38, 1-based): chr14:102,015,325, T>C. VCF-style: chr14-102015325-T-C. GRCh37 (hg19) VCF-style: chr14-102481662-T-C.
Other names: short protein forms M2412T.
Identifiers: ClinVar variation 1019453 (VCV001019453.8), dbSNP rs1296667481, ClinGen allele CA391060520.